The following continues an entry in ClinVar:

NM_024675.4(PALB2):c.2903C>G (p.Ala968Gly)

Gene: PALB2. ClinVar aggregate classification (germline): Conflicting classifications of pathogenicity. Uncertain significance (11); Benign (1); Likely benign (1).

Submissions 9 to 15 of 15:

Color Diagnostics, LLC DBA Color Health
Classification: Uncertain significance for Hereditary cancer-predisposing syndrome. Last evaluated: 2024-08-06. Review status: criteria provided, single submitter. Criteria: ACMG Guidelines, 2015. Collection method: clinical testing. Allele origin: germline.
Comment: This missense variant replaces alanine with glycine at codon 968 of the PALB2 protein. Computational prediction suggests that this variant may not impact protein structure and function (internally defined REVEL score threshold <= 0.5, PMID: 27666373). A structural modeling study has predicted that this variant may affect PALB2 protein structure (PMID: 34092963). To our knowledge, functional studies have not been reported for this variant. This variant has been reported in three individuals affected with breast cancer (PMID: 22241545, 29522266, 30303537), in one individual affected with pancreatic cancer (PMID: 28767289) and one individual each affected with Lynch syndrome-associated cancer and/or polyps (PMID: 25980754). In a large breast cancer case-control study, this variant has been observed in 2/60464 cases and 2/53459 controls (OR=0.884 (95%CI 0.125 to 6.277); p-value=1) (PMID: 33471991; Leiden Open Variation Database DB-ID PALB2_010132). This variant has been identified in 8/282862 chromosomes in the general population by the Genome Aggregation Database (gnomAD). The available evidence is insufficient to determine the role of this variant in disease conclusively. Therefore, this variant is classified as a Variant of Uncertain Significance.

Baylor Genetics
Classification: Uncertain significance for Familial cancer of breast. Last evaluated: 2024-03-25. Review status: criteria provided, single submitter. Criteria: ACMG Guidelines, 2015. Collection method: clinical testing. Allele origin: unknown.

Blueprint Genetics
Classification: Uncertain significance. Last evaluated: 2021-04-26. Review status: criteria provided, single submitter. Criteria: ACMG Guidelines, 2015. Collection method: clinical testing. Allele origin: germline.

Mendelics
Classification: Uncertain significance for Familial cancer of breast. Last evaluated: 2019-05-28. Review status: criteria provided, single submitter. Criteria: Mendelics Assertion Criteria 2017. Collection method: clinical testing. Allele origin: unknown.

GeneDx
Classification: Likely benign. Last evaluated: 2019-05-09. Review status: criteria provided, single submitter. Criteria: GeneDx Variant Classification Process June 2021. Collection method: clinical testing. Allele origin: germline. Affected: yes.
Comment: This variant is associated with the following publications: (PMID: 28767289, 22241545, 25980754, 30303537)

Leiden Open Variation Database
Classification: Uncertain significance for Familial cancer of breast. Last evaluated: 2019-05-13. Review status: no assertion criteria provided. Collection method: curation. Allele origin: germline. Affected: yes. Not counted in ClinVar's aggregate classification.
Comment: Curators: Marc Tischkowitz, Arleen D. Auerbach. Submitter to LOVD: Marc Tischkowitz.

Dr. Peter K. Rogan Lab, Western University
No classification provided (evidence only). Condition: Melanoma. Review status: no classification provided. Collection method: in vitro. Allele origin: not applicable. Functional consequence: skipped exon. Not counted in ClinVar's aggregate classification.

Literature cited by the submitters: PubMed 22241545 (cited by 6 submitters); PubMed 25980754 (cited by 5 submitters); PubMed 28767289 (cited by 6 submitters); PubMed 30303537 (cited by 5 submitters); PubMed 36273432 (cited by Women's Health and Genetics/Laboratory Corporation of America, LabCorp); PubMed 32659497 (cited by Quest Diagnostics Nichols Institute San Juan Capistrano and Ambry Genetics); PubMed 29522266 (cited by 4 submitters); PubMed 32546565 (cited by Quest Diagnostics Nichols Institute San Juan Capistrano); PubMed 33471991 (cited by 4 submitters); PubMed 25085752 (cited by Myriad Genetics, Inc.); PubMed 34092963 (cited by Color Diagnostics, LLC DBA Color Health).